The following is an entry in ClinVar:

NM_004341.5(CAD):c.4711G>A (p.Val1571Met)

Gene: CAD (carbamoyl-phosphate synthetase 2, aspartate transcarbamylase, and dihydroorotase; plus strand). Cytogenetic location: 2p23.3.
Variant type: single nucleotide variant.
Coding change: c.4711G>A on transcript NM_004341.5 (MANE Select); coding-DNA position 4711, G replaced by A.
Protein change: p.Val1571Met; replaces valine 1571 with methionine.
Molecular consequence: missense variant.
Genome position (GRCh38, 1-based): chr2:27,237,865, G>A. VCF-style: chr2-27237865-G-A. GRCh37 (hg19) VCF-style: chr2-27460733-G-A.
Other names: c.4522G>A, p.Val1508Met (NM_001306079.2); c.4711G>A (NM_004341.3); short protein forms V1508M, V1571M.
Identifiers: ClinVar variation 1436696 (VCV001436696.6), dbSNP rs749357163, ClinGen allele CA1573618.

ClinVar aggregate classification (germline): Uncertain significance. Review status: criteria provided, multiple submitters, no conflicts (2 of 4 stars). 4 submissions from 4 submitters: Uncertain significance (4). Last evaluated 2024-12-20.

Conditions:
Inborn genetic diseases. Identifiers: MedGen C0950123, MeSH D030342.

Allele frequency attached by ClinVar (database versions not stated): gnomAD exomes 0.00005; ExAC 0.00008.
gnomAD v4.1: 61 of 1,611,964 alleles (0.0038%); highest among the groups gnomAD compares: Middle Eastern, 0.033%; no homozygotes.

Submissions (4):

Ambry Genetics
Classification: Uncertain significance for Inborn genetic diseases. Last evaluated: 2024-12-20. Review status: criteria provided, single submitter. Criteria: Ambry Variant Classification Scheme 2023. Collection method: clinical testing. Allele origin: germline.

Blueprint Genetics
Classification: Uncertain significance. Last evaluated: 2024-10-24. Review status: criteria provided, single submitter. Criteria: ACMG Guidelines, 2015. Collection method: clinical testing. Allele origin: germline.

GeneDx
Classification: Uncertain significance. Last evaluated: 2024-08-13. Review status: criteria provided, single submitter. Criteria: GeneDx Variant Classification Process June 2021. Collection method: clinical testing. Allele origin: germline. Affected: yes.
Comment: In silico analysis indicates that this missense variant does not alter protein structure/function; Has not been previously published as pathogenic or benign to our knowledge

Labcorp Genetics (formerly Invitae), Labcorp
Classification: Uncertain significance. Last evaluated: 2022-08-12. Review status: criteria provided, single submitter. Criteria: Invitae Variant Classification Sherloc (09022015). Collection method: clinical testing. Allele origin: germline.
Comment: This sequence change replaces valine, which is neutral and non-polar, with methionine, which is neutral and non-polar, at codon 1571 of the CAD protein (p.Val1571Met). This variant is present in population databases (rs749357163, gnomAD 0.02%). This variant has not been reported in the literature in individuals affected with CAD-related conditions. ClinVar contains an entry for this variant (Variation ID: 1436696). Algorithms developed to predict the effect of missense changes on protein structure and function (SIFT, PolyPhen-2, Align-GVGD) all suggest that this variant is likely to be tolerated. In summary, the available evidence is currently insufficient to determine the role of this variant in disease. Therefore, it has been classified as a Variant of Uncertain Significance.